The following is an entry in ClinVar:

ClinVar aggregate classification (germline): Uncertain significance. Review status: criteria provided, multiple submitters, no conflicts (2 of 4 stars). 2 submissions from 2 submitters: Uncertain significance (2). Last evaluated 2023-07-03.

Conditions:
Hereditary cancer-predisposing syndrome. Also called: Tumor predisposition; Hereditary neoplastic syndrome; Neoplastic Syndromes, Hereditary; Hereditary Cancer Syndrome. Identifiers: Orphanet 140162, MedGen C0027672, MeSH D009386, MONDO:0015356.
Tuberous sclerosis 1 (TSC1). Identifiers: Orphanet 805, MedGen C1854465, MONDO:0008612, OMIM 191100.

Submissions (2):

Ambry Genetics
Classification: Uncertain significance for Hereditary cancer-predisposing syndrome. Last evaluated: 2023-07-03. Review status: criteria provided, single submitter. Criteria: Ambry Variant Classification Scheme 2023. Collection method: clinical testing. Allele origin: germline.
Comment: The p.M736L variant (also known as c.2206A>T), located in coding exon 15 of the TSC1 gene, results from an A to T substitution at nucleotide position 2206. The methionine at codon 736 is replaced by leucine, an amino acid with highly similar properties. This amino acid position is conserved. In addition, the in silico prediction for this alteration is inconclusive. Since supporting evidence is limited at this time, the clinical significance of this alteration remains unclear.

Labcorp Genetics (formerly Invitae), Labcorp
Classification: Uncertain significance for Tuberous sclerosis 1. Last evaluated: 2022-07-06. Review status: criteria provided, single submitter. Criteria: Invitae Variant Classification Sherloc (09022015). Collection method: clinical testing. Allele origin: germline.
Comment: This variant is not present in population databases (gnomAD no frequency). This variant has not been reported in the literature in individuals affected with TSC1-related conditions. ClinVar contains an entry for this variant (Variation ID: 1504453). Algorithms developed to predict the effect of missense changes on protein structure and function (SIFT, PolyPhen-2, Align-GVGD) all suggest that this variant is likely to be tolerated. Algorithms developed to predict the effect of sequence changes on RNA splicing suggest that this variant may create or strengthen a splice site. In summary, the available evidence is currently insufficient to determine the role of this variant in disease. Therefore, it has been classified as a Variant of Uncertain Significance. This sequence change replaces methionine, which is neutral and non-polar, with leucine, which is neutral and non-polar, at codon 736 of the TSC1 protein (p.Met736Leu).

NM_000368.5(TSC1):c.2206A>T (p.Met736Leu)

Gene: TSC1 (TSC complex subunit 1; minus strand). Cytogenetic location: 9q34.13.
Variant type: single nucleotide variant.
Coding change: c.2206A>T on transcript NM_000368.5 (MANE Select); coding-DNA position 2206, A replaced by T.
Protein change: p.Met736Leu; replaces methionine 736 with leucine.
Molecular consequence: missense variant.
Genome position (GRCh38, 1-based): chr9:132,903,653, T>A on the plus strand (A>T on the coding strand, the complement: TSC1 is on the minus strand). VCF-style: chr9-132903653-T-A. GRCh37 (hg19) VCF-style: chr9-135779040-T-A.
Other names: c.2206A>T (NM_000368.4); c.2203A>T, p.Met735Leu (NM_001162426.2); c.2053A>T, p.Met685Leu (NM_001162427.2); c.1843A>T, p.Met615Leu (NM_001362177.2); short protein forms M735L, M685L, M736L, M615L.
Identifiers: ClinVar variation 1504453 (VCV001504453.10), dbSNP rs2131756215, ClinGen allele CA375360559.